The following is an entry in ClinVar:

ClinVar aggregate classification (germline): Uncertain significance (0 of 4 stars; one submission).

Conditions:
DROSHA-related disorder. Also called: DROSHA-related condition.

gnomAD v4.1: 1 of 1,613,872 alleles (0.000062%); highest among the groups gnomAD compares: Non-Finnish European, 0.000085%; no homozygotes.

Submission:

PreventionGenetics, part of Exact Sciences
Classification: Uncertain significance for DROSHA-related condition. Last evaluated: 2024-06-06. Review status: no assertion criteria provided. Collection method: clinical testing. Allele origin: germline.
Comment: The DROSHA c.1472G>A variant is predicted to result in the amino acid substitution p.Ser491Asn. To our knowledge, this variant has not been reported in the literature or in a large population database, indicating this variant is rare. At this time, the clinical significance of this variant is uncertain due to the absence of conclusive functional and genetic evidence.

NM_001382508.1(DROSHA):c.1472G>A (p.Ser491Asn)

Gene: DROSHA (drosha ribonuclease III; minus strand). Cytogenetic location: 5p13.3.
Variant type: single nucleotide variant.
Coding change: c.1472G>A on transcript NM_001382508.1 (MANE Select); coding-DNA position 1472, G replaced by A.
Protein change: p.Ser491Asn; replaces serine 491 with asparagine.
Molecular consequence: missense variant.
Genome position (GRCh38, 1-based): chr5:31,508,736, C>T on the plus strand (G>A on the coding strand, the complement: DROSHA is on the minus strand). VCF-style: chr5-31508736-C-T. GRCh37 (hg19) VCF-style: chr5-31508843-C-T.
Other names: c.1361G>A, p.Ser454Asn (NM_001100412.2); c.1472G>A, p.Ser491Asn (NM_013235.5); short protein forms S454N, S491N.
Identifiers: ClinVar variation 3346764 (VCV003346764.1).